The following is an entry in ClinVar:

ClinVar aggregate classification (germline): Uncertain significance (1 of 4 stars; one submission).

Submission:

Labcorp Genetics (formerly Invitae), Labcorp
Classification: Uncertain significance. Last evaluated: 2022-02-25. Review status: criteria provided, single submitter. Criteria: Invitae Variant Classification Sherloc (09022015). Collection method: clinical testing. Allele origin: germline.
Comment: This variant is not present in population databases (gnomAD no frequency). In summary, the available evidence is currently insufficient to determine the role of this variant in disease. Therefore, it has been classified as a Variant of Uncertain Significance. Algorithms developed to predict the effect of missense changes on protein structure and function are either unavailable or do not agree on the potential impact of this missense change (SIFT: "Deleterious"; PolyPhen-2: "Possibly Damaging"; Align-GVGD: "Class C0"). This variant has not been reported in the literature in individuals affected with QRSL1-related conditions. This sequence change replaces phenylalanine, which is neutral and non-polar, with serine, which is neutral and polar, at codon 342 of the QRSL1 protein (p.Phe342Ser).

NM_018292.5(QRSL1):c.1025T>C (p.Phe342Ser)

Gene: QRSL1 (glutaminyl-tRNA amidotransferase subunit QRSL1; plus strand). Cytogenetic location: 6q21.
Variant type: single nucleotide variant.
Coding change: c.1025T>C on transcript NM_018292.5 (MANE Select); coding-DNA position 1025, T replaced by C.
Protein change: p.Phe342Ser; replaces phenylalanine 342 with serine.
Molecular consequence: missense variant.
Genome position (GRCh38, 1-based): chr6:106,654,905, T>C. VCF-style: chr6-106654905-T-C. GRCh37 (hg19) VCF-style: chr6-107102780-T-C.
Other names: short protein forms F342S.
Identifiers: ClinVar variation 2103650 (VCV002103650.4), dbSNP rs2482521210, ClinGen allele CA365155413.